The following is an entry in ClinVar:

NM_001080512.3(BICC1):c.1858+10T>C

Gene: BICC1 (BicC family RNA binding protein 1; plus strand). Cytogenetic location: 10q21.1.
Variant type: single nucleotide variant.
Coding change: c.1858+10T>C on transcript NM_001080512.3 (MANE Select); 10 bases into the intron after coding-DNA position 1858, T replaced by C.
Molecular consequence: intron variant.
Genome position (GRCh38, 1-based): chr10:58,800,336, T>C. VCF-style: chr10-58800336-T-C. GRCh37 (hg19) VCF-style: chr10-60560096-T-C.
Identifiers: ClinVar variation 4983990 (VCV004983990.1).

ClinVar aggregate classification (germline): Likely benign (1 of 4 stars; one submission).

Conditions:
BICC1-related disorder. Also called: BICC1-related condition.

Submission:

PreventionGenetics, part of Exact Sciences
Classification: Likely benign for BICC1-related condition. Last evaluated: 2025-12-10. Review status: criteria provided, single submitter. Criteria: ACMG Guidelines, 2015. Collection method: clinical testing. Allele origin: germline.
Comment: This variant is classified as likely benign based on ACMG/AMP sequence variant interpretation guidelines (Richards et al. 2015 PMID: 25741868, with internal and published modifications).